The following is an entry in ClinVar:

NM_001032283.3(TMPO):c.565+2369_565+2371del

Gene: TMPO (thymopoietin; plus strand). Cytogenetic location: 12q23.1.
Variant type: Microsatellite.
Coding change: c.565+2369_565+2371del on transcript NM_001032283.3 (MANE Select); bases 2369 to 2371 of the intron after coding-DNA position 565, 3 bases deleted (TCG; older notation c.565+2369_565+2371delTCG).
Molecular consequence: intron variant. On other transcripts: inframe deletion (1).
Genome position (GRCh38, 1-based): chr12:98,534,207-98,534,209, TCG deleted; deleting any 3 consecutive bases within chr12:98,534,203-98,534,209 gives the same sequence; the c. name uses the placement nearest the transcript's 3' end. VCF-style (leftmost placement, unchanged base first): chr12-98534202-GGTC-G. GRCh37 (hg19) VCF-style: chr12-98927980-GGTC-G.
Other names: c.1950_1952del (NM_003276.2); c.1950_1952delTCG (NM_003276.2); c.1947TCG[1], p.Arg651del (NM_003276.2); c.565+2369_565+2371del (NM_001307975.2, NM_001032284.3); short protein forms R651del.
Identifiers: ClinVar variation 578470 (VCV000578470.8), dbSNP rs755715445, ClinGen allele CA6732518.
Genomic context (GRCh38, chr12:98,534,202, plus strand): 5'-TGTGAAGCTGCATTTGATGAAGTGAAGATGGCTGCCCATACCATGGGAAATGCCACTGTA[GGTC>G]GTCGATACCTCTGGCTGAAGGATTGCAAAATTAATTTAGCTTCTAAGAATAAGCTGGCTT-3'

ClinVar aggregate classification (germline): Uncertain significance. Review status: criteria provided, multiple submitters, no conflicts (2 of 4 stars). 2 submissions from 2 submitters: Uncertain significance (2). Last evaluated 2024-09-30.

Conditions:
Loeys-Dietz syndrome 2 (LDS2). Also called: TGFBR2-Related Loeys-Dietz Syndrome; Marfan Syndrome type 2; Marfan like connective tissue disorder; MFS 2; AORTIC ANEURYSM, FAMILIAL THORACIC 3; MARFAN SYNDROME, TYPE II. Identifiers: Orphanet 284973, Orphanet 558, MedGen C2674574, MONDO:0012427, OMIM 610168.

Submissions (2):

GeneDx
Classification: Uncertain significance. Last evaluated: 2024-09-30. Review status: criteria provided, single submitter. Criteria: GeneDx Variant Classification Process June 2021. Collection method: clinical testing. Allele origin: germline. Affected: yes.
Comment: Has not been previously published as pathogenic or benign to our knowledge; Not observed at significant frequency in large population cohorts (gnomAD); In-frame deletion of 1 amino acid(s) in a non-repeat region

Labcorp Genetics (formerly Invitae), Labcorp
Classification: Uncertain significance for Loeys-Dietz syndrome 2. Last evaluated: 2021-08-27. Review status: criteria provided, single submitter. Criteria: Invitae Variant Classification Sherloc (09022015). Collection method: clinical testing. Allele origin: germline.
Comment: This variant, c.1950_1952del, results in the deletion of 1 amino acid(s) of the TMPO protein (p.Arg651del), but otherwise preserves the integrity of the reading frame. This variant is present in population databases (rs755715445, ExAC 0.002%). This variant has not been reported in the literature in individuals affected with TMPO-related conditions. Experimental studies and prediction algorithms are not available or were not evaluated, and the functional significance of this variant is currently unknown. In summary, the available evidence is currently insufficient to determine the role of this variant in disease. Therefore, it has been classified as a Variant of Uncertain Significance.